The following is an entry in ClinVar:

ClinVar aggregate classification (germline): Uncertain significance (1 of 4 stars; one submission).

Submission:

Labcorp Genetics (formerly Invitae), Labcorp
Classification: Uncertain significance. Last evaluated: 2023-10-08. Review status: criteria provided, single submitter. Criteria: Invitae Variant Classification Sherloc (09022015). Collection method: clinical testing. Allele origin: germline.
Comment: This sequence change creates a premature translational stop signal (p.Glu297*) in the TUBA8 gene. It is expected to result in an absent or disrupted protein product. However, the current clinical and genetic evidence is not sufficient to establish whether loss-of-function variants in TUBA8 cause disease. This variant is present in population databases (no rsID available, gnomAD 0.007%). This variant has not been reported in the literature in individuals affected with TUBA8-related conditions. ClinVar contains an entry for this variant (Variation ID: 1889418). In summary, the available evidence is currently insufficient to determine the role of this variant in disease. Therefore, it has been classified as a Variant of Uncertain Significance.

NM_018943.3(TUBA8):c.888dup (p.Glu297Ter)

Gene: TUBA8 (tubulin alpha 8; plus strand). Cytogenetic location: 22q11.21.
Variant type: Duplication.
Coding change: c.888dup on transcript NM_018943.3 (MANE Select); coding-DNA position 888, one base duplicated (T; older notation c.888dupT).
Protein change: p.Glu297Ter; replaces glutamic acid 297 with a stop codon.
Molecular consequence: nonsense.
Genome position (GRCh38, 1-based): chr22:18,126,866, T duplicated; the last of 3 consecutive T bases (chr22:18,126,864-18,126,866); duplicating any one gives the same sequence. VCF-style (leftmost placement, unchanged base first): chr22-18126863-C-CT. GRCh37 (hg19) VCF-style: chr22-18609630-C-CT.
Other names: c.690dup, p.Glu231Ter (NM_001193414.2); short protein forms E231*, E297*.
Identifiers: ClinVar variation 1889418 (VCV001889418.5), dbSNP rs1433169203, ClinGen allele CA638502373.